The following is an entry in ClinVar:

ClinVar aggregate classification (germline): Uncertain significance (1 of 4 stars; one submission).

Conditions:
Inborn genetic diseases. Identifiers: MedGen C0950123, MeSH D030342.

Submission:

Ambry Genetics
Classification: Uncertain significance for Inborn genetic diseases. Last evaluated: 2024-11-15. Review status: criteria provided, single submitter. Criteria: Ambry Variant Classification Scheme 2023. Collection method: clinical testing. Allele origin: germline.
Comment: The p.C2452R variant (also known as c.7354T>C), located in coding exon 49 of the LRRK2 gene, results from a T to C substitution at nucleotide position 7354. The cysteine at codon 2452 is replaced by arginine, an amino acid with highly dissimilar properties. This amino acid position is conserved. In addition, the in silico prediction for this alteration is inconclusive. Based on the available evidence, the clinical significance of this variant remains unclear.

NM_198578.4(LRRK2):c.7354T>C (p.Cys2452Arg)

Gene: LRRK2 (leucine rich repeat kinase 2; plus strand). Cytogenetic location: 12q12.
Variant type: single nucleotide variant.
Coding change: c.7354T>C on transcript NM_198578.4 (MANE Select); coding-DNA position 7354, T replaced by C.
Protein change: p.Cys2452Arg; replaces cysteine 2452 with arginine.
Molecular consequence: missense variant.
Genome position (GRCh38, 1-based): chr12:40,365,014, T>C. VCF-style: chr12-40365014-T-C. GRCh37 (hg19) VCF-style: chr12-40758816-T-C.
Other names: short protein forms C2452R.
Identifiers: ClinVar variation 3540787 (VCV003540787.1).